The following is an entry in ClinVar:

NM_001145809.2(MYH14):c.2900C>G (p.Thr967Arg)

Gene: MYH14 (myosin heavy chain 14; plus strand). Cytogenetic location: 19q13.33.
Variant type: single nucleotide variant.
Coding change: c.2900C>G on transcript NM_001145809.2 (MANE Select); coding-DNA position 2900, C replaced by G.
Protein change: p.Thr967Arg; replaces threonine 967 with arginine.
Molecular consequence: missense variant.
Genome position (GRCh38, 1-based): chr19:50,268,234, C>G. VCF-style: chr19-50268234-C-G. GRCh37 (hg19) VCF-style: chr19-50771491-C-G.
Other names: c.2801C>G, p.Thr934Arg (NM_001077186.2); c.2777C>G, p.Thr926Arg (NM_024729.4); short protein forms T967R, T934R, T926R.
Identifiers: ClinVar variation 228875 (VCV000228875.4), dbSNP rs142134135, ClinGen allele CA9593069.

ClinVar aggregate classification (germline): Uncertain significance (1 of 4 stars; one submission).

gnomAD v4.1: 5 of 1,563,798 alleles (0.00032%); highest among the groups gnomAD compares: Non-Finnish European, 0.00043%; no homozygotes.

Submission:

Laboratory for Molecular Medicine, Mass General Brigham Personalized Medicine
Classification: Uncertain significance. Last evaluated: 2015-07-31. Review status: criteria provided, single submitter. Criteria: LMM Criteria. Collection method: clinical testing. Allele origin: germline. Observed: 2 variant alleles.
Comment: The p.Thr967Arg variant in MYH14 has not been previously reported in individuals with hearing loss. Data from large population studies is insufficient to assess the frequency of this variant. Computational prediction tools and conservation analysis do not provide strong support for or against an impact to the protein. In summary, the clinical significance of the Thr967Arg variant is uncertain.